The following is an entry in ClinVar:

NM_000059.4(BRCA2):c.6222C>G (p.His2074Gln)

Gene: BRCA2 (BRCA2 DNA repair associated; plus strand). Cytogenetic location: 13q13.1.
Variant type: single nucleotide variant.
Coding change: c.6222C>G on transcript NM_000059.4 (MANE Select); coding-DNA position 6222, C replaced by G.
Protein change: p.His2074Gln; replaces histidine 2074 with glutamine.
Molecular consequence: missense variant.
Genome position (GRCh38, 1-based): chr13:32,340,577, C>G. VCF-style: chr13-32340577-C-G. GRCh37 (hg19) VCF-style: chr13-32914714-C-G.
Other names: short protein forms H2074Q.
Identifiers: ClinVar variation 438994 (VCV000438994.21), dbSNP rs1555284601, ClinGen allele CA387788874.

ClinVar aggregate classification (germline): Conflicting classifications of pathogenicity. Review status: criteria provided, conflicting classifications (1 of 4 stars). 6 submissions from 6 submitters: Uncertain significance (5); Likely benign (1). Last evaluated 2025-11-03.

Conditions:
Hereditary cancer-predisposing syndrome. Also called: Hereditary neoplastic syndrome; Hereditary Cancer Syndrome; Tumor predisposition; Neoplastic Syndromes, Hereditary. Identifiers: Orphanet 140162, MedGen C0027672, MeSH D009386, MONDO:0015356.
Hereditary breast ovarian cancer syndrome. Also called: Breast and ovarian cancer; Hereditary breast and ovarian cancer; BRCA1- and BRCA2-Associated Hereditary Breast and Ovarian Cancer; Hereditary breast and/or ovarian cancer syndrome; Hereditary breast and ovarian cancer syndrome; Hereditary breast and ovarian cancer syndrome (HBOC). Identifiers: Orphanet 145, MedGen C0677776, MeSH D061325, MONDO:0003582. Disease mechanism: loss of function.

Submissions (6):

Ambry Genetics
Classification: Uncertain significance for Hereditary cancer-predisposing syndrome. Last evaluated: 2025-11-03. Review status: criteria provided, single submitter. Criteria: Ambry Variant Classification Scheme 2023. Collection method: clinical testing. Allele origin: germline.
Comment: The p.H2074Q variant (also known as c.6222C>G), located in coding exon 10 of the BRCA2 gene, results from a C to G substitution at nucleotide position 6222. The histidine at codon 2074 is replaced by glutamine, an amino acid with highly similar properties. This amino acid position is poorly conserved in available vertebrate species. In addition, this alteration is predicted to be tolerated by in silico analysis. Since supporting evidence is limited at this time, the clinical significance of this alteration remains unclear.

Labcorp Genetics (formerly Invitae), Labcorp
Classification: Uncertain significance for Hereditary breast ovarian cancer syndrome. Last evaluated: 2024-11-12. Review status: criteria provided, single submitter. Criteria: Invitae Variant Classification Sherloc (09022015). Collection method: clinical testing. Allele origin: germline.
Comment: This sequence change replaces histidine, which is basic and polar, with glutamine, which is neutral and polar, at codon 2074 of the BRCA2 protein (p.His2074Gln). This variant is not present in population databases (gnomAD no frequency). This variant has not been reported in the literature in individuals affected with BRCA2-related conditions. ClinVar contains an entry for this variant (Variation ID: 438994). Invitae Evidence Modeling of protein sequence and biophysical properties (such as structural, functional, and spatial information, amino acid conservation, physicochemical variation, residue mobility, and thermodynamic stability) indicates that this missense variant is not expected to disrupt BRCA2 protein function with a negative predictive value of 95%. In summary, the available evidence is currently insufficient to determine the role of this variant in disease. Therefore, it has been classified as a Variant of Uncertain Significance.

Color Diagnostics, LLC DBA Color Health
Classification: Uncertain significance for Hereditary cancer-predisposing syndrome. Last evaluated: 2024-03-06. Review status: criteria provided, single submitter. Criteria: ACMG Guidelines, 2015. Collection method: clinical testing. Allele origin: germline.
Comment: This missense variant replaces histidine with glutamine at codon 2074 of the BRCA2 protein. Computational prediction tool suggests that this variant may not impact protein structure and function (internally defined REVEL score threshold <=0.5, PMID: 27666373). Splice site prediction tools suggest that this variant may not impact RNA splicing. To our knowledge, functional studies have not been performed for this variant. This variant has not been reported in individuals affected with hereditary cancer in the literature. This variant has not been identified in the general population by the Genome Aggregation Database (gnomAD). The available evidence is insufficient to determine the role of this variant in disease conclusively. Therefore, this variant is classified as a Variant of Uncertain Significance.

University of Washington Department of Laboratory Medicine, University of Washington
Classification: Likely benign for Hereditary cancer-predisposing syndrome. Last evaluated: 2023-03-23. Review status: criteria provided, single submitter. Criteria: Dines et al. (Genet Med. 2020). Collection method: curation. Allele origin: germline.
Comment: Missense variant in a coldspot region where missense variants are very unlikely to be pathogenic (PMID:31911673).

BRCA2 exon 11 coldspot. Reclassification based on statistical prior probability.

Women's Health and Genetics/Laboratory Corporation of America, LabCorp
Classification: Uncertain significance. Last evaluated: 2019-06-14. Review status: criteria provided, single submitter. Criteria: LabCorp Variant Classification Summary - May 2015. Collection method: clinical testing. Allele origin: germline.
Comment: Variant summary: BRCA2 c.6222C>G (p.His2074Gln) results in a non-conservative amino acid change located in the BRCA2 repeat (IPR002093) of the encoded protein sequence. Four of five in-silico tools predict a benign effect of the variant on protein function. The variant was absent in 249564 control chromosomes. The available data on variant occurrences in the general population are insufficient to allow any conclusion about variant significance. To our knowledge, no occurrence of c.6222C>G in individuals affected with Hereditary Breast and Ovarian Cancer and no experimental evidence demonstrating its impact on protein function have been reported. Two clinical diagnostic laboratories have submitted clinical-significance assessments for this variant to ClinVar after 2014 without evidence for independent evaluation. All laboratories classified the variant as uncertain significance. Based on the evidence outlined above, the variant was classified as uncertain significance.

Quest Diagnostics Nichols Institute San Juan Capistrano
Classification: Uncertain significance. Last evaluated: 2017-07-17. Review status: criteria provided, single submitter. Criteria: Quest Diagnostics criteria. Collection method: clinical testing. Allele origin: germline.